The following is an entry in ClinVar:

ClinVar aggregate classification (germline): Pathogenic (1 of 4 stars; one submission).

Conditions:
Intellectual developmental disorder 62. Also called: INTELLECTUAL DEVELOPMENTAL DISORDER, AUTOSOMAL DOMINANT 62; MENTAL RETARDATION, AUTOSOMAL DOMINANT 62. Identifiers: MedGen C5394083, MONDO:0032919, OMIM 618793.

Submission:

Institute of Human Genetics, University of Leipzig Medical Center
Classification: Pathogenic for Intellectual developmental disorder 62. Last evaluated: 2023-11-06. Review status: criteria provided, single submitter. Criteria: ACMG Guidelines, 2015. Collection method: clinical testing. Allele origin: unknown. Inheritance: Autosomal dominant inheritance. Affected: yes.
Comment: Criteria applied: PVS1,PS2_MOD, PM2_SUP

NM_001321075.3(DLG4):c.129del (p.Asp43fs)

Gene: DLG4 (discs large MAGUK scaffold protein 4; minus strand). Cytogenetic location: 17p13.1.
Variant type: Deletion.
Coding change: c.129del on transcript NM_001321075.3 (MANE Select); coding-DNA position 129, one base deleted (T; older notation c.129delT).
Protein change: p.Asp43fs; shifts the reading frame from aspartic acid 43.
Molecular consequence: frameshift variant. On other transcripts: 5 prime UTR variant (2), non-coding transcript variant (1).
Genome position (GRCh38, 1-based): chr17:7,204,220, A deleted on the plus strand (T on the coding strand, the reverse complement: DLG4 is on the minus strand). VCF-style (leftmost placement, unchanged base first): chr17-7204219-TA-T. GRCh37 (hg19) VCF-style: chr17-7107538-TA-T.
Other names: c.129del, p.Asp43fs (NM_001128827.4); c.258del, p.Asp86fs (NM_001321074.1, NM_001365.5); c.-52del (NM_001321076.3); c.-43del (NM_001321077.3); c.57del, p.Asp19fs (NM_001369566.3); short protein forms D19fs, D43fs, D86fs.
Identifiers: ClinVar variation 2664960 (VCV002664960.3), dbSNP rs2508038550, ClinGen allele CA2695201249.